The following is an entry in ClinVar:

ClinVar aggregate classification (germline): Pathogenic (1 of 4 stars; one submission).

Conditions:
Early-infantile DEE. Also called: Early infantile epileptic encephalopathy; Ohtahara syndrome; Early infantile epileptic encephalopathy with suppression bursts. Identifiers: Orphanet 1934, MedGen C0393706, MONDO:0800491.

Submission:

Labcorp Genetics (formerly Invitae), Labcorp
Classification: Pathogenic for Early-infantile DEE. Last evaluated: 2024-02-24. Review status: criteria provided, single submitter. Criteria: Invitae Variant Classification Sherloc (09022015). Collection method: clinical testing. Allele origin: germline.
Comment: This sequence change creates a premature translational stop signal (p.Tyr1102Serfs*5) in the SCN1A gene. It is expected to result in an absent or disrupted protein product. Loss-of-function variants in SCN1A are known to be pathogenic (PMID: 17347258, 18930999). This variant is not present in population databases (gnomAD no frequency). This variant has not been reported in the literature in individuals affected with SCN1A-related conditions. ClinVar contains an entry for this variant (Variation ID: 956269). Algorithms developed to predict the effect of sequence changes on RNA splicing suggest that this variant may create or strengthen a splice site. For these reasons, this variant has been classified as Pathogenic.

Literature cited by the submitters: PubMed 17347258; PubMed 18930999.

NM_001165963.4(SCN1A):c.3305del (p.Tyr1102fs)

Genes: SCN1A (sodium voltage-gated channel alpha subunit 1; minus strand), LOC102724058 (uncharacterized LOC102724058; plus strand). Cytogenetic location: 2q24.3.
Variant type: Deletion.
Coding change: c.3305del on transcript NM_001165963.4 (MANE Select); coding-DNA position 3305, one base deleted (A; older notation c.3305delA).
Protein change: p.Tyr1102fs; shifts the reading frame from tyrosine 1102.
Molecular consequence: frameshift variant. On other transcripts: non-coding transcript variant (2).
Genome position (GRCh38, 1-based): chr2:166,036,172, T deleted on the plus strand (A on the coding strand, the reverse complement: SCN1A is on the minus strand). VCF-style (leftmost placement, unchanged base first): chr2-166036171-GT-G. GRCh37 (hg19) VCF-style: chr2-166892681-GT-G.
Other names: c.3305del, p.Tyr1102fs (NM_001353948.2, NM_001202435.3); c.3272del, p.Tyr1091fs (NM_001353949.2, NM_001353950.2, NM_001353951.2 and 2 more transcripts); c.3269del, p.Tyr1090fs (NM_001353954.2, NM_001353955.2); c.3221del, p.Tyr1074fs (NM_001353957.2, NM_001353958.2, NM_001165964.3); c.3218del, p.Tyr1073fs (NM_001353960.2); c.863del, p.Tyr288fs (NM_001353961.2); short protein forms Y1073fs, Y1074fs, Y1090fs, Y1091fs, Y1102fs, Y288fs.
Identifiers: ClinVar variation 956269 (VCV000956269.8), dbSNP rs1696333581, ClinGen allele CA1139657305.
Genomic context (GRCh38, chr2:166,036,171, plus strand): 5'-AGATTCTCCTACAGCAATTGGTACAGTCACAGTAAGACTGGGGTTGTTTATGAATGACAT[GT>G]AATCACTTTCATCAATAATGTATTTTTCAACACTGCTGCCAGTTCCTATACCACTTGTAG-3'